The following is an entry in ClinVar:

NM_001164508.2(NEB):c.4299+4_4299+7del

Gene: NEB (nebulin; minus strand). Cytogenetic location: 2q23.3.
Variant type: Deletion.
Coding change: c.4299+4_4299+7del on transcript NM_001164508.2 (MANE Select); bases 4 to 7 of the intron after coding-DNA position 4299, 4 bases deleted (AGTA; older notation c.4299+4_4299+7delAGTA).
Molecular consequence: splice donor variant.
Genome position (GRCh38, 1-based): chr2:151,672,362-151,672,365, TACT deleted on the plus strand (AGTA on the coding strand, the reverse complement: NEB is on the minus strand); deleting any 4 consecutive bases within chr2:151,672,362-151,672,368 gives the same sequence; the c. name uses the placement nearest the transcript's 3' end. VCF-style (leftmost placement, unchanged base first): chr2-151672361-ATACT-A. GRCh37 (hg19) VCF-style: chr2-152528875-ATACT-A.
Other names: c.4299+4_4299+7del (NM_004543.5, NM_001164507.2, NM_001271208.2).
Identifiers: ClinVar variation 5019660 (VCV005019660.2).
Genomic context (GRCh38, chr2:151,672,361, plus strand): 5'-TAATAAAAGCGAGAAGTGATCATCCTTTAAGTGCAAACATCTCTGGGTCTGTTGTTACAC[ATACT>A]TACATCACTCTGAATTTGATTGACATTCCTCGTATGCTCAAGACTCATGGCGTCAGGTAG-3'

ClinVar aggregate classification (germline): Uncertain significance (1 of 4 stars; one submission).

Conditions:
Nemaline myopathy 2 (NEM2). Also called: Nemaline myopathy 2, autosomal recessive. Identifiers: MedGen C1850569, MONDO:0009725, OMIM 256030.
Arthrogryposis multiplex congenita 6. Identifiers: MedGen C5543431, MONDO:0030281, OMIM 619334.

Submission:

Juno Genomics, Hangzhou Juno Genomics, Inc
Classification: Uncertain significance for Arthrogryposis multiplex congenita 6; Nemaline myopathy 2. Review status: criteria provided, single submitter. Criteria: ACMG Guidelines, 2015. Collection method: clinical testing. Allele origin: germline.
Comment: Absent from controls (or at extremely low frequency if recessive) in Genome Aggregation Database.;Multiple lines of computational evidence support a deleterious effect on the gene or gene product.